The following is an entry in ClinVar:

NM_005883.3(APC2):c.5612C>T (p.Thr1871Ile)

Gene: APC2 (APC regulator of WNT signaling pathway 2; plus strand). Cytogenetic location: 19p13.3.
Variant type: single nucleotide variant.
Coding change: c.5612C>T on transcript NM_005883.3 (MANE Select); coding-DNA position 5612, C replaced by T.
Protein change: p.Thr1871Ile; replaces threonine 1871 with isoleucine.
Molecular consequence: missense variant.
Genome position (GRCh38, 1-based): chr19:1,468,913, C>T. VCF-style: chr19-1468913-C-T. GRCh37 (hg19) VCF-style: chr19-1468912-C-T.
Other names: c.5609C>T, p.Thr1870Ile (NM_001351273.1); c.5612C>T (NM_005883.2); short protein forms T1871I, T1870I.
Identifiers: ClinVar variation 2152860 (VCV002152860.2), dbSNP rs745374653, ClinGen allele CA9046070.

ClinVar aggregate classification (germline): Uncertain significance. Review status: criteria provided, multiple submitters, no conflicts (2 of 4 stars). 2 submissions from 2 submitters: Uncertain significance (2). Last evaluated 2023-11-22.

Conditions:
Inborn genetic diseases. Identifiers: MedGen C0950123, MeSH D030342.

Allele frequency attached by ClinVar (database versions not stated): ExAC 0.00004; gnomAD 0.00007; TOPMed 0.00014; 1000 Genomes Project 30x 0.00031.
gnomAD v4.1: 18 of 1,527,336 alleles (0.0012%); highest among the groups gnomAD compares: Admixed American, 0.027%; no homozygotes.

Submissions (2):

Ambry Genetics
Classification: Uncertain significance for Inborn genetic diseases. Last evaluated: 2023-11-22. Review status: criteria provided, single submitter. Criteria: Ambry Variant Classification Scheme 2023. Collection method: clinical testing. Allele origin: germline.

Labcorp Genetics (formerly Invitae), Labcorp
Classification: Uncertain significance. Last evaluated: 2022-03-20. Review status: criteria provided, single submitter. Criteria: Invitae Variant Classification Sherloc (09022015). Collection method: clinical testing. Allele origin: germline.
Comment: This sequence change replaces threonine, which is neutral and polar, with isoleucine, which is neutral and non-polar, at codon 1871 of the APC2 protein (p.Thr1871Ile). The frequency data for this variant in the population databases is considered unreliable, as metrics indicate poor data quality at this position in the gnomAD database. This variant has not been reported in the literature in individuals affected with APC2-related conditions. Algorithms developed to predict the effect of missense changes on protein structure and function are either unavailable or do not agree on the potential impact of this missense change (SIFT: "Deleterious"; PolyPhen-2: "Possibly Damaging"; Align-GVGD: "Class C0"). In summary, the available evidence is currently insufficient to determine the role of this variant in disease. Therefore, it has been classified as a Variant of Uncertain Significance.